The following is an entry in ClinVar:

ClinVar aggregate classification (germline): Uncertain significance (1 of 4 stars; one submission).

Conditions:
X-linked myopathy with postural muscle atrophy. Also called: FHL1-Related Emery-Dreifuss Muscular Dystrophy, X-Linked. Identifiers: Orphanet 178461, MedGen C2678055, MONDO:0010401, OMIM 300696.

Submission:

Labcorp Genetics (formerly Invitae), Labcorp
Classification: Uncertain significance for X-linked myopathy with postural muscle atrophy. Last evaluated: 2024-08-05. Review status: criteria provided, single submitter. Criteria: Invitae Variant Classification Sherloc (09022015). Collection method: clinical testing. Allele origin: germline.
Comment: This sequence change replaces histidine, which is basic and polar, with tyrosine, which is neutral and polar, at codon 25 of the FHL1 protein (p.His25Tyr). This variant is not present in population databases (gnomAD no frequency). This variant has not been reported in the literature in individuals affected with FHL1-related conditions. ClinVar contains an entry for this variant (Variation ID: 565801). An algorithm developed to predict the effect of missense changes on protein structure and function (PolyPhen-2) suggests that this variant¬†is likely to be tolerated. In summary, the available evidence is currently insufficient to determine the role of this variant in disease. Therefore, it has been classified as a Variant of Uncertain Significance.

NM_001159699.2(FHL1):c.121C>T (p.His41Tyr)

Gene: FHL1 (four and a half LIM domains 1; plus strand). Cytogenetic location: Xq26.3.
Variant type: single nucleotide variant.
Coding change: c.121C>T on transcript NM_001159699.2 (MANE Select); coding-DNA position 121, C replaced by T.
Protein change: p.His41Tyr; replaces histidine 41 with tyrosine.
Molecular consequence: missense variant. On other transcripts: non-coding transcript variant (1).
Genome position (GRCh38, 1-based): chrX:136,206,505, C>T. VCF-style: chrX-136206505-C-T. GRCh37 (hg19) VCF-style: chrX-135288664-C-T.
Other names: c.73C>T, p.His25Tyr (NM_001159700.2, NM_001159702.3, NM_001159703.2 and 9 more transcripts); c.160C>T, p.His54Tyr (NM_001159701.2); c.121C>T, p.His41Tyr (NM_001330659.2); short protein forms H25Y, H41Y, H54Y.
Identifiers: ClinVar variation 565801 (VCV000565801.5), dbSNP rs1569530250, ClinGen allele CA414607641.